The following is an entry in ClinVar:

ClinVar aggregate classification (germline): Likely benign. Review status: criteria provided, multiple submitters, no conflicts (2 of 4 stars). 2 submissions from 2 submitters: Likely benign (2). Last evaluated 2025-03-24.

Conditions:
PLXNA2-related disorder. Also called: PLXNA2-related condition.

Allele frequency attached by ClinVar (database versions not stated): ExAC 0.00002; TOPMed 0.00004.
gnomAD v4.1: 35 of 1,613,946 alleles (0.0022%); highest among the groups gnomAD compares: East Asian, 0.016%; no homozygotes.

Submissions (2):

PreventionGenetics, part of Exact Sciences
Classification: Likely benign for PLXNA2-related condition. Last evaluated: 2025-03-24. Review status: criteria provided, single submitter. Criteria: ACMG Guidelines, 2015. Collection method: clinical testing. Allele origin: germline.
Comment: This variant is classified as likely benign based on ACMG/AMP sequence variant interpretation guidelines (Richards et al. 2015 PMID: 25741868, with internal and published modifications).

Labcorp Genetics (formerly Invitae), Labcorp
Classification: Likely benign. Last evaluated: 2022-05-18. Review status: criteria provided, single submitter. Criteria: Invitae Variant Classification Sherloc (09022015). Collection method: clinical testing. Allele origin: germline.

NM_025179.4(PLXNA2):c.3717C>T (p.Ile1239=)

Gene: PLXNA2 (plexin A2; minus strand). Cytogenetic location: 1q32.2.
Variant type: single nucleotide variant.
Coding change: c.3717C>T on transcript NM_025179.4 (MANE Select); coding-DNA position 3717, C replaced by T.
Protein change: p.Ile1239=; no amino-acid change (isoleucine 1239 retained).
Molecular consequence: synonymous variant.
Genome position (GRCh38, 1-based): chr1:208,044,665, G>A on the plus strand (C>T on the coding strand, the complement: PLXNA2 is on the minus strand). VCF-style: chr1-208044665-G-A. GRCh37 (hg19) VCF-style: chr1-208218010-G-A.
Other names: c.3717C>T (NM_025179.3).
Identifiers: ClinVar variation 2172035 (VCV002172035.5), dbSNP rs770081709, ClinGen allele CA1373090.
Genomic context (GRCh38, chr1:208,044,665, plus strand): 5'-GGCAATGAGGACGATGATGACGATGATGAGGAGGAGGCTGCCGCCGGCCGCGATGCTGAC[G>A]ATGGCTGGCAGGGTCAGCAAGCTGTCTGAGATGACACTCACCGAGCCAGGCGAGAACACC-3'
Protein context (NP_079455.3, residues 1229-1249): ISDSLLTLPA[Ile1239=]VSIAAGGSLL